The following is an entry in ClinVar:

ClinVar aggregate classification (germline): Conflicting classifications of pathogenicity. Review status: criteria provided, conflicting classifications (1 of 4 stars). 2 submissions from 2 submitters: Uncertain significance (1); Likely benign (1). Last evaluated 2026-06-02.

Conditions:
TTN-related disorder. Also called: TTN-related condition; TTN-related disease; TTN-related disorders.

gnomAD v4.1: 57 of 1,612,248 alleles (0.0035%); highest among the groups gnomAD compares: Middle Eastern, 0.017%; no homozygotes.

Submissions (2):

PreventionGenetics, part of Exact Sciences
Classification: Uncertain significance for TTN-related condition. Last evaluated: 2026-06-02. Review status: criteria provided, single submitter. Criteria: ACMG Guidelines, 2015. Collection method: clinical testing. Allele origin: germline.
Comment: The TTN c.11822G>A variant is predicted to result in the amino acid substitution p.Arg3941His. To our knowledge, this variant has not been reported in the literature. This variant is reported in 0.0055% of alleles in individuals of East Asian descent in gnomAD. At this time, the clinical significance of this variant is uncertain due to the absence of conclusive functional and genetic evidence.

Molecular Diagnostic Laboratory for Inherited Cardiovascular Disease, Montreal Heart Institute
Classification: Likely benign. Last evaluated: 2025-07-24. Review status: criteria provided, single submitter. Criteria: ACMG Guidelines, 2015. Collection method: clinical testing. Allele origin: germline. Affected: no.
Comment: BP1

NM_001267550.2(TTN):c.11311+2546G>A

Gene: TTN (titin; minus strand). Cytogenetic location: 2q31.2.
Variant type: single nucleotide variant.
Coding change: c.11311+2546G>A on transcript NM_001267550.2 (MANE Select); 2546 bases into the intron after coding-DNA position 11311, G replaced by A.
Molecular consequence: intron variant. On other transcripts: missense variant (1).
Genome position (GRCh38, 1-based): chr2:178,750,578, C>T on the plus strand (G>A on the coding strand, the complement: TTN is on the minus strand). VCF-style: chr2-178750578-C-T. GRCh37 (hg19) VCF-style: chr2-179615305-C-T.
Other names: c.11822G>A, p.Arg3941His (NM_133379.5); c.10222+2546G>A (NM_003319.4); c.10798+2546G>A (NM_133437.4); c.10597+2546G>A (NM_133432.3); c.10360+2546G>A (NM_133378.4, NM_001256850.1); short protein forms R3941H.
Identifiers: ClinVar variation 4076481 (VCV004076481.2), dbSNP rs576265139.